The following is an entry in ClinVar:

NM_000135.4(FANCA):c.2707dup (p.Trp903fs)

Gene: FANCA (FA complementation group A; minus strand). Cytogenetic location: 16q24.3.
Variant type: Duplication.
Coding change: c.2707dup on transcript NM_000135.4 (MANE Select); coding-DNA position 2707, one base duplicated (T; older notation c.2707dupT).
Protein change: p.Trp903fs; shifts the reading frame from tryptophan 903.
Molecular consequence: frameshift variant.
Genome position (GRCh38, 1-based): chr16:89,764,961, A duplicated on the plus strand (T on the coding strand, the reverse complement: FANCA is on the minus strand). VCF-style (leftmost placement, unchanged base first): chr16-89764960-C-CA. GRCh37 (hg19) VCF-style: chr16-89831368-C-CA.
Other names: c.2707dup, p.Trp903fs (NM_001286167.3); short protein forms W903fs.
Identifiers: ClinVar variation 2968528 (VCV002968528.3), dbSNP rs1225564406, ClinGen allele CA725767425.
Genomic context (GRCh38, chr16:89,764,960, plus strand): 5'-TCCTCTTTCAACACCTCTCGGAAGGTTCTGTGTGTCCAGAGAGAGAGGGCAGCTCTCTGC[C>CA]AGTCTGCAGAAGGAAGGTGCAAGGGTCTCCAGGAAAGGCTGGCTACGTCCTCCTCAGAAA-3'

ClinVar aggregate classification (germline): Pathogenic (1 of 4 stars; one submission).

Conditions:
Fanconi anemia (FA). Also called: Fanconi's anemia. Identifiers: Orphanet 84, MedGen C0015625, MeSH D005199, MONDO:0019391.

Allele frequency attached by ClinVar (database versions not stated): TOPMed below 0.00001.

Submission:

Labcorp Genetics (formerly Invitae), Labcorp
Classification: Pathogenic for Fanconi anemia. Last evaluated: 2023-04-22. Review status: criteria provided, single submitter. Criteria: Invitae Variant Classification Sherloc (09022015). Collection method: clinical testing. Allele origin: germline.
Comment: For these reasons, this variant has been classified as Pathogenic. This variant has not been reported in the literature in individuals affected with FANCA-related conditions. This variant is not present in population databases (gnomAD no frequency). This sequence change creates a premature translational stop signal (p.Trp903Leufs*40) in the FANCA gene. It is expected to result in an absent or disrupted protein product. Loss-of-function variants in FANCA are known to be pathogenic (PMID: 19367192).

Literature cited by the submitters: PubMed 19367192.